The following is an entry in ClinVar:

NM_001330078.2(NRXN1):c.3599T>C (p.Ile1200Thr)

Gene: NRXN1 (neurexin 1; minus strand). Cytogenetic location: 2p16.3.
Variant type: single nucleotide variant.
Coding change: c.3599T>C on transcript NM_001330078.2 (MANE Select); coding-DNA position 3599, T replaced by C.
Protein change: p.Ile1200Thr; replaces isoleucine 1200 with threonine.
Molecular consequence: missense variant.
Genome position (GRCh38, 1-based): chr2:50,091,442, A>G on the plus strand (T>C on the coding strand, the complement: NRXN1 is on the minus strand). VCF-style: chr2-50091442-A-G. GRCh37 (hg19) VCF-style: chr2-50318580-A-G.
Other names: c.3719T>C, p.Ile1240Thr (NM_001135659.3); c.3575T>C, p.Ile1192Thr (NM_001330077.2, NM_001330082.2); c.3533T>C, p.Ile1178Thr (NM_001330083.2, NM_001330084.2); c.3572T>C, p.Ile1191Thr (NM_001330085.2); c.3599T>C, p.Ile1200Thr (NM_001330086.2, NM_004801.6); c.3488T>C, p.Ile1163Thr (NM_001330087.2, NM_001330096.2); c.3518T>C, p.Ile1173Thr (NM_001330088.2); c.494T>C, p.Ile165Thr (NM_001330091.2, NM_001330092.2, NM_001330097.2 and 1 more transcripts); and 3 more; short protein forms I1163T, I1178T, I1183T, I1192T, I1196T, I1199T, I1173T, I1191T.
Identifiers: ClinVar variation 2151437 (VCV002151437.4), dbSNP rs750309490, ClinGen allele CA47843164.

ClinVar aggregate classification (germline): Uncertain significance (1 of 4 stars; one submission).

Conditions:
Pitt-Hopkins-like syndrome 2 (PTHSL2). Identifiers: Orphanet 221150, Orphanet 600663, MedGen C3280479, MONDO:0013690, OMIM 614325.

Submission:

Labcorp Genetics (formerly Invitae), Labcorp
Classification: Uncertain significance for Pitt-Hopkins-like syndrome 2. Last evaluated: 2025-09-09. Review status: criteria provided, single submitter. Criteria: Invitae Variant Classification Sherloc (09022015). Collection method: clinical testing. Allele origin: germline.
Comment: This sequence change replaces isoleucine, which is neutral and non-polar, with threonine, which is neutral and polar, at codon 1240 of the NRXN1 protein (p.Ile1240Thr). This variant is not present in population databases (gnomAD no frequency). This variant has not been reported in the literature in individuals affected with NRXN1-related conditions. ClinVar contains an entry for this variant (Variation ID: 2151437). Invitae Evidence Modeling of protein sequence and biophysical properties (such as structural, functional, and spatial information, amino acid conservation, physicochemical variation, residue mobility, and thermodynamic stability) indicates that this missense variant is not expected to disrupt NRXN1 protein function with a negative predictive value of 80%. In summary, the available evidence is currently insufficient to determine the role of this variant in disease. Therefore, it has been classified as a Variant of Uncertain Significance.